The following is an entry in ClinVar:

NM_016239.4(MYO15A):c.215_216delinsTT (p.Arg72Leu)

Gene: MYO15A (myosin XVA; plus strand). Cytogenetic location: 17p11.2.
Variant type: Indel.
Coding change: c.215_216delinsTT on transcript NM_016239.4 (MANE Select); coding-DNA positions 215 to 216, GC replaced by TT.
Protein change: p.Arg72Leu; replaces arginine 72 with leucine.
Molecular consequence: missense variant.
Genome position (GRCh38, 1-based): chr17:18,119,015-18,119,016, GC replaced by TT. VCF-style: chr17-18119015-GC-TT. GRCh37 (hg19) VCF-style: chr17-18022329-GC-TT.
Other names: short protein forms R72L.
Identifiers: ClinVar variation 4874988 (VCV004874988.2).

ClinVar aggregate classification (germline): Uncertain significance (1 of 4 stars; one submission).

Submission:

CeGaT Center for Human Genetics Tuebingen
Classification: Uncertain significance. Last evaluated: 2026-05-01. Review status: criteria provided, single submitter. Criteria: CeGaT Center For Human Genetics Tuebingen Variant Classification Criteria Version 2. Collection method: clinical testing. Allele origin: germline. Affected: yes. Observed: 1 variant allele.
Comment: MYO15A: PM2